The following is an entry in ClinVar:

ClinVar aggregate classification (germline): Pathogenic (1 of 4 stars; one submission).

Conditions:
Familial hemophagocytic lymphohistiocytosis 5. Also called: STXBP2-Related Familial Hemophagocytic Lymphohistiocytosis (STXBP2-fHLH). Identifiers: Orphanet 540, MedGen C2751293, MONDO:0013135, OMIM 613101.

Submission:

Labcorp Genetics (formerly Invitae), Labcorp
Classification: Pathogenic for Familial hemophagocytic lymphohistiocytosis 5. Last evaluated: 2024-11-14. Review status: criteria provided, single submitter. Criteria: Invitae Variant Classification Sherloc (09022015). Collection method: clinical testing. Allele origin: germline.
Comment: This sequence change creates a premature translational stop signal (p.Trp519*) in the STXBP2 gene. It is expected to result in an absent or disrupted protein product. Loss-of-function variants in STXBP2 are known to be pathogenic (PMID: 19804848, 22451424). This variant is not present in population databases (gnomAD no frequency). This variant has not been reported in the literature in individuals affected with STXBP2-related conditions. Algorithms developed to predict the effect of sequence changes on RNA splicing suggest that this variant may disrupt the consensus splice site. For these reasons, this variant has been classified as Pathogenic.

Literature cited by the submitters: PubMed 19804848; PubMed 22451424.

NM_006949.4(STXBP2):c.1556G>A (p.Trp519Ter)

Gene: STXBP2 (syntaxin binding protein 2; plus strand). Cytogenetic location: 19p13.2.
Variant type: single nucleotide variant.
Coding change: c.1556G>A on transcript NM_006949.4 (MANE Select); coding-DNA position 1556, G replaced by A.
Protein change: p.Trp519Ter; replaces tryptophan 519 with a stop codon.
Molecular consequence: nonsense. On other transcripts: non-coding transcript variant (1).
Genome position (GRCh38, 1-based): chr19:7,647,371, G>A. VCF-style: chr19-7647371-G-A. GRCh37 (hg19) VCF-style: chr19-7712257-G-A.
Other names: c.1547G>A, p.Trp516Ter (NM_001127396.3); c.1589G>A, p.Trp530Ter (NM_001272034.2); c.1460G>A, p.Trp487Ter (NM_001414484.1); short protein forms W519*, W530*, W516*, W487*.
Identifiers: ClinVar variation 3724860 (VCV003724860.2).